The following is an entry in ClinVar:

ClinVar aggregate classification (germline): Conflicting classifications of pathogenicity. Review status: criteria provided, conflicting classifications (1 of 4 stars). 5 submissions from 5 submitters: Pathogenic (1); Likely pathogenic (3); Uncertain significance (1). Last evaluated 2026-05-06.

Conditions:
SPATA5-related disorder.
AFG2A-related disorder. Also called: AFG2A-related condition.
Microcephaly-intellectual disability-sensorineural hearing loss-epilepsy-abnormal muscle tone syndrome (NEDHSB). Also called: NEURODEVELOPMENTAL DISORDER WITH HEARING LOSS, SEIZURES, AND BRAIN ABNORMALITIES. Identifiers: Orphanet 457351, MedGen C4225276, MONDO:0014698, OMIM 616577.

Allele frequency attached by ClinVar (database versions not stated): gnomAD 0.00001; TOPMed 0.00002; ExAC 0.00023.
gnomAD v4.1: 93 of 1,613,614 alleles (0.0058%); highest among the groups gnomAD compares: Non-Finnish European, 0.0049%; no homozygotes.

Submissions (5):

PreventionGenetics, part of Exact Sciences
Classification: Likely pathogenic for AFG2A-related condition. Last evaluated: 2026-05-06. Review status: criteria provided, single submitter. Criteria: ACMG Guidelines, 2015. Collection method: clinical testing. Allele origin: germline.
Comment: The AFG2A c.2140C>T variant is predicted to result in premature protein termination (p.Arg714*). To our knowledge, this variant has not been reported in the literature. This variant is reported in 0.019% of alleles in individuals of European (Non-Finnish) descent in gnomAD. Nonsense variants in AFG2A are expected to be pathogenic. This variant is interpreted as likely pathogenic.

Labcorp Genetics (formerly Invitae), Labcorp
Classification: Pathogenic for Microcephaly-intellectual disability-sensorineural hearing loss-epilepsy-abnormal muscle tone syndrome. Last evaluated: 2025-03-24. Review status: criteria provided, single submitter. Criteria: Invitae Variant Classification Sherloc (09022015). Collection method: clinical testing. Allele origin: germline.
Comment: This sequence change creates a premature translational stop signal (p.Arg714*) in the SPATA5 gene. It is expected to result in an absent or disrupted protein product. Loss-of-function variants in SPATA5 are known to be pathogenic (PMID: 26299366). This variant is present in population databases (rs754135389, gnomAD 0.02%). This variant has not been reported in the literature in individuals affected with SPATA5-related conditions. ClinVar contains an entry for this variant (Variation ID: 971669). For these reasons, this variant has been classified as Pathogenic.

Blueprint Genetics
Classification: Likely pathogenic for SPATA5-related disorders. Last evaluated: 2024-09-20. Review status: criteria provided, single submitter. Criteria: ACMG Guidelines, 2015. Collection method: clinical testing. Allele origin: germline. Affected: yes. Observed: 5 variant alleles.

GeneDx
Classification: Uncertain significance. Last evaluated: 2024-05-18. Review status: criteria provided, single submitter. Criteria: GeneDx Variant Classification Process June 2021. Collection method: clinical testing. Allele origin: germline. Affected: yes.
Comment: Nonsense variant predicted to result in protein truncation or nonsense mediated decay in a gene for which loss of function is a known mechanism of disease; Has not been previously published as pathogenic or benign to our knowledge

Revvity Omics, Revvity
Classification: Likely pathogenic for Microcephaly-intellectual disability-sensorineural hearing loss-epilepsy-abnormal muscle tone syndrome. Last evaluated: 2023-05-28. Review status: criteria provided, single submitter. Criteria: ACMG Guidelines, 2015. Collection method: clinical testing. Allele origin: germline.

Literature cited by the submitters: PubMed 26299366 (cited by Labcorp Genetics (formerly Invitae), Labcorp).

NM_145207.3(AFG2A):c.2140C>T (p.Arg714Ter)

Gene: AFG2A (AAA ATPase AFG2A; plus strand). Cytogenetic location: 4q28.1.
Variant type: single nucleotide variant.
Coding change: c.2140C>T on transcript NM_145207.3 (MANE Select); coding-DNA position 2140, C replaced by T.
Protein change: p.Arg714Ter; replaces arginine 714 with a stop codon.
Molecular consequence: nonsense.
Genome position (GRCh38, 1-based): chr4:123,057,215, C>T. VCF-style: chr4-123057215-C-T. GRCh37 (hg19) VCF-style: chr4-123978370-C-T.
Other names: c.2137C>T, p.Arg713Ter (NM_001345856.2); short protein forms R714*, R713*.
Identifiers: ClinVar variation 971669 (VCV000971669.12), dbSNP rs754135389, ClinGen allele CA3070658.